The following is an entry in ClinVar:

ClinVar aggregate classification (germline): Likely benign. Review status: criteria provided, multiple submitters, no conflicts (2 of 4 stars). 2 submissions from 2 submitters: Likely benign (2). Last evaluated 2026-01-04.

Conditions:
MYO18B-related disorder. Also called: MYO18B-related condition.

Allele frequency attached by ClinVar (database versions not stated): gnomAD 0.00004; gnomAD exomes 0.00006 and 0.00030; TOPMed 0.00013; ExAC 0.00021.
gnomAD v4.1: 92 of 1,613,438 alleles (0.0057%); highest among the groups gnomAD compares: Admixed American, 0.15%; no homozygotes.

Submissions (2):

Labcorp Genetics (formerly Invitae), Labcorp
Classification: Likely benign. Last evaluated: 2026-01-04. Review status: criteria provided, single submitter. Criteria: Invitae Variant Classification Sherloc (09022015). Collection method: clinical testing. Allele origin: germline.

PreventionGenetics, part of Exact Sciences
Classification: Likely benign for MYO18B-related condition. Last evaluated: 2024-12-05. Review status: criteria provided, single submitter. Criteria: ACMG Guidelines, 2015. Collection method: clinical testing. Allele origin: germline.
Comment: This variant is classified as likely benign based on ACMG/AMP sequence variant interpretation guidelines (Richards et al. 2015 PMID: 25741868, with internal and published modifications).

NM_032608.7(MYO18B):c.1190A>G (p.Gln397Arg)

Gene: MYO18B (myosin XVIIIB; plus strand). Cytogenetic location: 22q12.1.
Variant type: single nucleotide variant.
Coding change: c.1190A>G on transcript NM_032608.7 (MANE Select); coding-DNA position 1190, A replaced by G.
Protein change: p.Gln397Arg; replaces glutamine 397 with arginine.
Molecular consequence: missense variant.
Genome position (GRCh38, 1-based): chr22:25,769,106, A>G. VCF-style: chr22-25769106-A-G. GRCh37 (hg19) VCF-style: chr22-26165073-A-G.
Other names: c.1190A>G (NM_032608.6); c.1190A>G, p.Gln397Arg (NM_001318245.2); short protein forms Q397R.
Identifiers: ClinVar variation 1588664 (VCV001588664.9), dbSNP rs749413258, ClinGen allele CA10159774.